The following is an entry in ClinVar:

ClinVar aggregate classification (germline): Uncertain significance (1 of 4 stars; one submission).

Conditions:
46,XY sex reversal 6. Also called: 46,XY GONADAL DYSGENESIS, PARTIAL OR COMPLETE, MAP3K1-RELATED; 46,XY SEX REVERSAL, PARTIAL OR COMPLETE, MAP3K1-RELATED. Identifiers: MedGen C3151064, MONDO:0013410, OMIM 613762.

Allele frequency attached by ClinVar (database versions not stated): gnomAD 0.00005 and 0.00006; TOPMed 0.00005; ExAC 0.00002; gnomAD exomes 0.00004.

Submission:

Labcorp Genetics (formerly Invitae), Labcorp
Classification: Uncertain significance for 46,XY sex reversal 6. Last evaluated: 2023-05-15. Review status: criteria provided, single submitter. Criteria: Invitae Variant Classification Sherloc (09022015). Collection method: clinical testing. Allele origin: germline.
Comment: This sequence change replaces methionine, which is neutral and non-polar, with lysine, which is basic and polar, at codon 1081 of the MAP3K1 protein (p.Met1081Lys). This variant is present in population databases (rs754640057, gnomAD 0.02%), and has an allele count higher than expected for a pathogenic variant. In summary, the available evidence is currently insufficient to determine the role of this variant in disease. Therefore, it has been classified as a Variant of Uncertain Significance. Advanced modeling of protein sequence and biophysical properties (such as structural, functional, and spatial information, amino acid conservation, physicochemical variation, residue mobility, and thermodynamic stability) performed at Invitae indicates that this missense variant is not expected to disrupt MAP3K1 protein function. ClinVar contains an entry for this variant (Variation ID: 1478607). This variant has not been reported in the literature in individuals affected with MAP3K1-related conditions.

NM_005921.2(MAP3K1):c.3242T>A (p.Met1081Lys)

Genes: MAP3K1 (mitogen-activated protein kinase kinase kinase 1; plus strand), LOC126807392 (CDK7 strongly-dependent group 2 enhancer GRCh37_chr5:56178189-56179388; plus strand). Cytogenetic location: 5q11.2.
Variant type: single nucleotide variant.
Coding change: c.3242T>A on transcript NM_005921.2 (MANE Select); coding-DNA position 3242, T replaced by A.
Protein change: p.Met1081Lys; replaces methionine 1081 with lysine.
Molecular consequence: missense variant.
Genome position (GRCh38, 1-based): chr5:56,882,442, T>A. VCF-style: chr5-56882442-T-A. GRCh37 (hg19) VCF-style: chr5-56178269-T-A.
Other names: short protein forms M1081K.
Identifiers: ClinVar variation 1478607 (VCV001478607.6), dbSNP rs754640057, ClinGen allele CA3273143.